The following is an entry in ClinVar:

ClinVar aggregate classification (germline): Pathogenic (1 of 4 stars; one submission).

Conditions:
Glycogen storage disease type III (GSD3). Also called: FORBES DISEASE; Cori disease. Identifiers: Orphanet 366, MedGen C0017922, MONDO:0009291, OMIM 232400.

Submission:

Myriad Genetics, Inc.
Classification: Pathogenic for Glycogen storage disease type III. Last evaluated: 2024-05-01. Review status: criteria provided, single submitter. Criteria: Myriad Autosomal Dominant, Autosomal Recessive and X-Linked Classification Criteria (2023). Collection method: clinical testing. Allele origin: unknown.
Comment: NM_000642.2(AGL):c.2506_2507delGAinsT(E836Yfs*32) is expected to be pathogenic in the context of glycogen storage disease type III. This variant is predicted to lead to an abnormal or absent protein product due to the creation of a premature termination codon in AGL, a gene where loss-of-function variants are known to be pathogenic. Please note: this variant was assessed in the context of healthy population screening.

NM_000642.3(AGL):c.2506_2507delinsT (p.Glu836fs)

Gene: AGL (amylo-alpha-1,6-glucosidase and 4-alpha-glucanotransferase; plus strand). Cytogenetic location: 1p21.2.
Variant type: Indel.
Coding change: c.2506_2507delinsT on transcript NM_000642.3 (MANE Select); coding-DNA positions 2506 to 2507, GA replaced by T.
Protein change: p.Glu836fs; shifts the reading frame from glutamic acid 836.
Molecular consequence: frameshift variant.
Genome position (GRCh38, 1-based): chr1:99,884,411-99,884,412, GA replaced by T. VCF-style: chr1-99884411-GA-T. GRCh37 (hg19) VCF-style: chr1-100349967-GA-T.
Other names: c.2506_2507delinsT, p.Glu836fs (NM_000028.3, NM_000643.3, NM_000644.3 and 2 more transcripts); c.2458_2459delinsT, p.Glu820fs (NM_000646.3); c.2305_2306delinsT, p.Glu769fs (NM_001425327.1); c.2302_2303delinsT, p.Glu768fs (NM_001425328.1, NM_001425329.1); c.2128_2129delinsT, p.Glu710fs (NM_001425332.1); short protein forms E710fs, E768fs, E769fs, E820fs, E836fs.
Identifiers: ClinVar variation 5012985 (VCV005012985.1).